The following is an entry in ClinVar:

NM_001267550.2(TTN):c.102041C>A (p.Pro34014Gln)

Genes: TTN (titin; minus strand), TTN-AS1 (TTN antisense RNA 1; plus strand). Cytogenetic location: 2q31.2.
Variant type: single nucleotide variant.
Coding change: c.102041C>A on transcript NM_001267550.2 (MANE Select); coding-DNA position 102041, C replaced by A.
Protein change: p.Pro34014Gln; replaces proline 34014 with glutamine.
Molecular consequence: missense variant.
Genome position (GRCh38, 1-based): chr2:178,534,574, G>T on the plus strand (C>A on the coding strand, the complement: TTN is on the minus strand). VCF-style: chr2-178534574-G-T. GRCh37 (hg19) VCF-style: chr2-179399301-G-T.
Other names: c.97118C>A, p.Pro32373Gln (NM_001256850.1); c.74846C>A, p.Pro24949Gln (NM_003319.4); c.94337C>A, p.Pro31446Gln (NM_133378.4); c.75221C>A, p.Pro25074Gln (NM_133432.3); c.75422C>A, p.Pro25141Gln (NM_133437.4); short protein forms P25074Q, P32373Q, P34014Q, P25141Q, P24949Q, P31446Q.
Identifiers: ClinVar variation 2935427 (VCV002935427.3), dbSNP rs1369028729, ClinGen allele CA349418503.

ClinVar aggregate classification (germline): Uncertain significance (1 of 4 stars; one submission).

Conditions:
Dilated cardiomyopathy 1G (CMD1G). Identifiers: Orphanet 154, MedGen C1858763, MONDO:0011400, OMIM 604145.
Autosomal recessive limb-girdle muscular dystrophy type 2J (LGMDR10). Also called: Limb-girdle muscular dystrophy, type 2J; MUSCULAR DYSTROPHY, LIMB-GIRDLE, AUTOSOMAL RECESSIVE 10. Identifiers: Orphanet 140922, MedGen C1837342, MONDO:0012127, OMIM 608807.

Allele frequency attached by ClinVar (database versions not stated): TOPMed 0.00002.

Submission:

Labcorp Genetics (formerly Invitae), Labcorp
Classification: Uncertain significance for Dilated cardiomyopathy 1G; Autosomal recessive limb-girdle muscular dystrophy type 2J. Last evaluated: 2023-09-26. Review status: criteria provided, single submitter. Criteria: Invitae Variant Classification Sherloc (09022015). Collection method: clinical testing. Allele origin: germline.
Comment: This variant is located in the M band of TTN (PMID: 25589632). Variants in this region may be relevant for neuromuscular disorders, but have not been definitively shown to cause cardiomyopathy (PMID: 23975875). In summary, the available evidence is currently insufficient to determine the role of this variant in disease. Therefore, it has been classified as a Variant of Uncertain Significance. Experimental studies and prediction algorithms are not available or were not evaluated, and the functional significance of this variant is currently unknown. This sequence change replaces proline, which is neutral and non-polar, with glutamine, which is neutral and polar, at codon 34014 of the TTN protein (p.Pro34014Gln). This variant is not present in population databases (gnomAD no frequency). This variant has not been reported in the literature in individuals affected with TTN-related conditions.

Literature cited by the submitters: PubMed 25589632; PubMed 23975875.